The following is an entry in ClinVar:

NM_172107.4(KCNQ2):c.911T>G (p.Phe304Cys)

Gene: KCNQ2 (potassium voltage-gated channel subfamily Q member 2; minus strand). Cytogenetic location: 20q13.33.
Variant type: single nucleotide variant.
Coding change: c.911T>G on transcript NM_172107.4 (MANE Select); coding-DNA position 911, T replaced by G.
Protein change: p.Phe304Cys; replaces phenylalanine 304 with cysteine.
Molecular consequence: missense variant.
Genome position (GRCh38, 1-based): chr20:63,439,614, A>C on the plus strand (T>G on the coding strand, the complement: KCNQ2 is on the minus strand). VCF-style: chr20-63439614-A-C. GRCh37 (hg19) VCF-style: chr20-62070967-A-C.
Other names: c.911T>G, p.Phe304Cys (NM_001382235.1, NM_004518.6, NM_172106.3 and 2 more transcripts); short protein forms F304C.
Identifiers: ClinVar variation 1060320 (VCV001060320.10), dbSNP rs1057516100, ClinGen allele CA409652485.
Genomic context (GRCh38, chr20:63,439,614, plus strand): 5'-AGACCTCGTCCCCCTCCAAGGCAGGCAGGGGCAGCTGGACTTACTGCAGGCAGCGCGAAG[A>C]AGGAGACACCGATGAGGGTGAAGGTTGCCGCAAGGAGCCTGCCGTTCCAGGTCTGGGGGT-3'
Protein context (NP_742105.1, residues 294-314): AATFTLIGVS[Phe304Cys]FALPAGILGS

ClinVar aggregate classification (germline): Likely pathogenic (1 of 4 stars; one submission).

Conditions:
Early-infantile DEE. Also called: Ohtahara syndrome; Early infantile epileptic encephalopathy with suppression bursts; Early infantile epileptic encephalopathy. Identifiers: Orphanet 1934, MedGen C0393706, MONDO:0800491.

Submission:

Labcorp Genetics (formerly Invitae), Labcorp
Classification: Likely pathogenic for Early-infantile DEE. Last evaluated: 2022-11-29. Review status: criteria provided, single submitter. Criteria: Invitae Variant Classification Sherloc (09022015). Collection method: clinical testing. Allele origin: germline.
Comment: This sequence change replaces phenylalanine, which is neutral and non-polar, with cysteine, which is neutral and slightly polar, at codon 304 of the KCNQ2 protein (p.Phe304Cys). This variant is not present in population databases (gnomAD no frequency). This variant has not been reported in the literature in individuals affected with KCNQ2-related conditions. ClinVar contains an entry for this variant (Variation ID: 1060320). Advanced modeling of protein sequence and biophysical properties (such as structural, functional, and spatial information, amino acid conservation, physicochemical variation, residue mobility, and thermodynamic stability) performed at Invitae indicates that this missense variant is expected to disrupt KCNQ2 protein function. This variant disrupts the p.Phe304 amino acid residue in KCNQ2. Other variant(s) that disrupt this residue have been determined to be pathogenic (PMID: 23692823, 28631195). This suggests that this residue is clinically significant, and that variants that disrupt this residue are likely to be disease-causing. In summary, the currently available evidence indicates that the variant is pathogenic, but additional data are needed to prove that conclusively. Therefore, this variant has been classified as Likely Pathogenic.

Literature cited by the submitters: PubMed 23692823; PubMed 28631195.